The following is an entry in ClinVar:

ClinVar aggregate classification (germline): Uncertain significance (1 of 4 stars; one submission).

Conditions:
Danon disease. Also called: PSEUDOGLYCOGENOSIS II; Glycogen Storage Disease Type IIb; ANTOPOL DISEASE; GSD IIb; LYSOSOMAL GLYCOGEN STORAGE DISEASE WITHOUT ACID MALTASE DEFICIENCY. Identifiers: Orphanet 34587, MedGen C0878677, MONDO:0010281, OMIM 300257.

Submission:

Labcorp Genetics (formerly Invitae), Labcorp
Classification: Uncertain significance for Danon disease. Last evaluated: 2025-04-01. Review status: criteria provided, single submitter. Criteria: Invitae Variant Classification Sherloc (09022015). Collection method: clinical testing. Allele origin: germline.
Comment: This sequence change replaces aspartic acid, which is acidic and polar, with valine, which is neutral and non-polar, at codon 373 of the LAMP2 protein (p.Asp373Val). This variant is not present in population databases (gnomAD no frequency). This variant has not been reported in the literature in individuals affected with LAMP2-related conditions. ClinVar contains an entry for this variant (Variation ID: 1419608). Invitae Evidence Modeling of protein sequence and biophysical properties (such as structural, functional, and spatial information, amino acid conservation, physicochemical variation, residue mobility, and thermodynamic stability) indicates that this missense variant is expected to disrupt LAMP2 protein function with a positive predictive value of 80%. In summary, the available evidence is currently insufficient to determine the role of this variant in disease. Therefore, it has been classified as a Variant of Uncertain Significance.

NM_002294.3(LAMP2):c.1118A>T (p.Asp373Val)

Gene: LAMP2 (lysosome associated membrane protein 2; minus strand). Cytogenetic location: Xq24.
Variant type: single nucleotide variant.
Coding change: c.1118A>T on transcript NM_002294.3 (MANE Select); coding-DNA position 1118, A replaced by T.
Protein change: p.Asp373Val; replaces aspartic acid 373 with valine.
Molecular consequence: missense variant. On other transcripts: intron variant (1).
Genome position (GRCh38, 1-based): chrX:120,431,438, T>A on the plus strand (A>T on the coding strand, the complement: LAMP2 is on the minus strand). VCF-style: chrX-120431438-T-A. GRCh37 (hg19) VCF-style: chrX-119565293-T-A.
Other names: c.1094-2812A>T (NM_001122606.1); short protein forms D373V.
Identifiers: ClinVar variation 1419608 (VCV001419608.6), dbSNP rs769995100, ClinGen allele CA414398377.